The following is an entry in ClinVar:

NM_015015.3(KDM4B):c.1951G>A (p.Ala651Thr)

Gene: KDM4B (lysine demethylase 4B; plus strand). Cytogenetic location: 19p13.3.
Variant type: single nucleotide variant.
Coding change: c.1951G>A on transcript NM_015015.3 (MANE Select); coding-DNA position 1951, G replaced by A.
Protein change: p.Ala651Thr; replaces alanine 651 with threonine.
Molecular consequence: missense variant.
Genome position (GRCh38, 1-based): chr19:5,133,927, G>A. VCF-style: chr19-5133927-G-A. GRCh37 (hg19) VCF-style: chr19-5133938-G-A.
Other names: c.2053G>A, p.Ala685Thr (NM_001411148.1); short protein forms A651T, A685T.
Identifiers: ClinVar variation 3025621 (VCV003025621.22), dbSNP rs201802255, ClinGen allele CA9108062.

ClinVar aggregate classification (germline): Likely benign (1 of 4 stars; one submission).

Allele frequency attached by ClinVar (database versions not stated): TOPMed 0.00005; gnomAD 0.00006; gnomAD exomes 0.00012; ExAC 0.00018.
gnomAD v4.1: 197 of 1,612,978 alleles (0.012%); highest among the groups gnomAD compares: Non-Finnish European, 0.014%; no homozygotes.

Submission:

CeGaT Center for Human Genetics Tuebingen
Classification: Likely benign. Last evaluated: 2024-01-01. Review status: criteria provided, single submitter. Criteria: CeGaT Center For Human Genetics Tuebingen Variant Classification Criteria Version 2. Collection method: clinical testing. Allele origin: germline. Affected: yes. Observed: 1 variant allele.
Comment: KDM4B: BP4